The following is an entry in ClinVar:

NM_000918.4(P4HB):c.764C>T (p.Thr255Ile)

Gene: P4HB (prolyl 4-hydroxylase subunit beta; minus strand). Cytogenetic location: 17q25.3.
Variant type: single nucleotide variant.
Coding change: c.764C>T on transcript NM_000918.4 (MANE Select); coding-DNA position 764, C replaced by T.
Protein change: p.Thr255Ile; replaces threonine 255 with isoleucine.
Molecular consequence: missense variant.
Genome position (GRCh38, 1-based): chr17:81,847,038, G>A on the plus strand (C>T on the coding strand, the complement: P4HB is on the minus strand). VCF-style: chr17-81847038-G-A. GRCh37 (hg19) VCF-style: chr17-79804914-G-A.
Other names: short protein forms T255I.
Identifiers: ClinVar variation 4685521 (VCV004685521.1).

ClinVar aggregate classification (germline): Likely benign (1 of 4 stars; one submission).

Conditions:
Cole-Carpenter syndrome 1 (CLCRP1). Also called: BONE FRAGILITY WITH CRANIOSYNOSTOSIS, OCULAR PROPTOSIS, HYDROCEPHALUS, AND DISTINCTIVE FACIAL FEATURES. Identifiers: Orphanet 2050, MedGen C4317154, MONDO:0007204, OMIM 112240.

Submission:

Centre for Medical Genetics,  Mumbai
Classification: Likely benign for Cole-Carpenter syndrome 1. Last evaluated: 2025-11-01. Review status: criteria provided, single submitter. Criteria: ACMG Guidelines, 2015. Collection method: provider interpretation. Allele origin: germline. Inheritance: Autosomal dominant inheritance. Affected: no. Observed: 1 heterozygote.
Comment: The variant satisfies PM2 criteria: absent in gnomAD.

Literature cited by the submitters: PubMed 25683117.